The following is an entry in ClinVar:

ClinVar aggregate classification (germline): Pathogenic (1 of 4 stars; one submission).

Submission:

GeneDx
Classification: Pathogenic. Last evaluated: 2016-03-09. Review status: criteria provided, single submitter. Criteria: GeneDx Variant Classification (06012015). Collection method: clinical testing. Allele origin: germline. Affected: yes.
Comment: The C721X pathogenic variant in the MAGEL2 gene has not been reported previously as a pathogenic variant nor as a benign variant, to our knowledge. This variant is predicted to cause loss of normal protein function through protein truncation. The C721X variant was not observed in approximately 6000 individuals of European and African American ancestry in the NHLBI Exome Sequencing Project, indicating it is not a common benign variant in these populations. We interpret C721X as a pathogenic variant.

NM_019066.5(MAGEL2):c.2163C>A (p.Cys721Ter)

Gene: MAGEL2 (MAGE family member L2; minus strand). Cytogenetic location: 15q11.2.
Variant type: single nucleotide variant.
Coding change: c.2163C>A on transcript NM_019066.5 (MANE Select); coding-DNA position 2163, C replaced by A.
Protein change: p.Cys721Ter; replaces cysteine 721 with a stop codon.
Molecular consequence: nonsense.
Genome position (GRCh38, 1-based): chr15:23,645,580, G>T on the plus strand (C>A on the coding strand, the complement: MAGEL2 is on the minus strand). VCF-style: chr15-23645580-G-T. GRCh37 (hg19) VCF-style: chr15-23890727-G-T.
Other names: short protein forms C721*.
Identifiers: ClinVar variation 280384 (VCV000280384.2), dbSNP rs886041598, ClinGen allele CA10603218.
Genomic context (GRCh38, chr15:23,645,580, plus strand): 5'-CTCCTTCGAGGAGGTCCTGCGCTCTTTAGAGGAGCCCCTGCGGTCTATAGAAGAGGCCCT[G>T]CATTCTCCTGATGGAGTCATCAATGATTTAGCGGAGCCCAGGGGAAAATTTGCCGCTGCT-3'